The following is an entry in ClinVar:

NM_024665.7(TBL1XR1):c.208G>T (p.Gly70Cys)

Gene: TBL1XR1 (TBL1X/Y related 1; minus strand). Cytogenetic location: 3q26.32.
Variant type: single nucleotide variant.
Coding change: c.208G>T on transcript NM_024665.7 (MANE Select); coding-DNA position 208, G replaced by T.
Protein change: p.Gly70Cys; replaces glycine 70 with cysteine.
Molecular consequence: missense variant. On other transcripts: 5 prime UTR variant (2).
Genome position (GRCh38, 1-based): chr3:177,051,723, C>A on the plus strand (G>T on the coding strand, the complement: TBL1XR1 is on the minus strand). VCF-style: chr3-177051723-C-A. GRCh37 (hg19) VCF-style: chr3-176769511-C-A.
Other names: c.208G>T, p.Gly70Cys (NM_001321193.3, NM_001321194.3, NM_001374327.1 and 2 more transcripts); c.-54G>T (NM_001321195.3, NM_001374330.1); short protein forms G70C.
Identifiers: ClinVar variation 2628582 (VCV002628582.5), dbSNP rs1717114995, ClinGen allele CA355553503.

ClinVar aggregate classification (germline): Pathogenic/Likely pathogenic. Review status: criteria provided, multiple submitters, no conflicts (2 of 4 stars). 2 submissions from 2 submitters: Pathogenic (1); Likely pathogenic (1). Last evaluated 2025-11-25.

Conditions:
TBL1XR1-related disorder. Also called: TBL1XR1-related condition; TBL1XR1-related disorders. Identifiers: MedGen CN382633, MONDO:1060313.
Pierpont syndrome (PRPTS). Identifiers: Orphanet 487825, MedGen C1865644, MONDO:0011213, OMIM 602342.

Submissions (2):

PreventionGenetics, part of Exact Sciences
Classification: Likely pathogenic for TBL1XR1-related condition. Last evaluated: 2025-11-25. Review status: criteria provided, single submitter. Criteria: ACMG Guidelines, 2015. Collection method: clinical testing. Allele origin: germline.
Comment: The TBL1XR1 c.208G>T variant is predicted to result in the amino acid substitution p.Gly70Cys. To our knowledge, this variant has not been reported in the literature or in a large population database, indicating this variant is rare. A different amino acid substitution at this position (p.Gly70Asp) was previously reported as de novo in an individual who presented with West syndrome with autistic features (Saitsu et al. 2014. PubMed ID: 25102098). The c.208G>T (p.Gly70Cys) variant is interpreted as likely pathogenic.

Labcorp Genetics (formerly Invitae), Labcorp
Classification: Pathogenic for Pierpont syndrome. Last evaluated: 2024-01-30. Review status: criteria provided, single submitter. Criteria: Invitae Variant Classification Sherloc (09022015). Collection method: clinical testing. Allele origin: germline.
Comment: This sequence change replaces glycine, which is neutral and non-polar, with cysteine, which is neutral and slightly polar, at codon 70 of the TBL1XR1 protein (p.Gly70Cys). This variant is not present in population databases (gnomAD no frequency). This missense change has been observed in individual(s) with clinical features of TBL1XR1-related conditions (Invitae). In at least one individual the variant was observed to be de novo. ClinVar contains an entry for this variant (Variation ID: 2628582). Advanced modeling of protein sequence and biophysical properties (such as structural, functional, and spatial information, amino acid conservation, physicochemical variation, residue mobility, and thermodynamic stability) performed at Invitae indicates that this missense variant is expected to disrupt TBL1XR1 protein function with a positive predictive value of 95%. This variant disrupts the p.Gly70 amino acid residue in TBL1XR1. Other variant(s) that disrupt this residue have been determined to be pathogenic (PMID: 25102098). This suggests that this residue is clinically significant, and that variants that disrupt this residue are likely to be disease-causing. For these reasons, this variant has been classified as Pathogenic.

Literature cited by the submitters: PubMed 25102098 (cited by Labcorp Genetics (formerly Invitae), Labcorp).